The following is an entry in ClinVar:

ClinVar aggregate classification (germline): Uncertain significance (1 of 4 stars; one submission).

Allele frequency attached by ClinVar (database versions not stated): gnomAD exomes 0.00001.
gnomAD v4.1: 6 of 1,206,929 alleles (0.0005%); highest among the groups gnomAD compares: Non-Finnish European, 0.00067%; no homozygotes.

Submission:

Labcorp Genetics (formerly Invitae), Labcorp
Classification: Uncertain significance. Last evaluated: 2023-04-09. Review status: criteria provided, single submitter. Criteria: Invitae Variant Classification Sherloc (09022015). Collection method: clinical testing. Allele origin: germline.
Comment: In summary, the available evidence is currently insufficient to determine the role of this variant in disease. Therefore, it has been classified as a Variant of Uncertain Significance. Advanced modeling of protein sequence and biophysical properties (such as structural, functional, and spatial information, amino acid conservation, physicochemical variation, residue mobility, and thermodynamic stability) performed at Invitae indicates that this missense variant is not expected to disrupt DRP2 protein function. This variant has not been reported in the literature in individuals affected with DRP2-related conditions. This variant is not present in population databases (gnomAD no frequency). This sequence change replaces histidine, which is basic and polar, with tyrosine, which is neutral and polar, at codon 830 of the DRP2 protein (p.His830Tyr).

NM_001939.3(DRP2):c.2488C>T (p.His830Tyr)

Gene: DRP2 (dystrophin related protein 2; plus strand). Cytogenetic location: Xq22.1.
Variant type: single nucleotide variant.
Coding change: c.2488C>T on transcript NM_001939.3 (MANE Select); coding-DNA position 2488, C replaced by T.
Protein change: p.His830Tyr; replaces histidine 830 with tyrosine.
Molecular consequence: missense variant.
Genome position (GRCh38, 1-based): chrX:101,258,406, C>T. VCF-style: chrX-101258406-C-T. GRCh37 (hg19) VCF-style: chrX-100513395-C-T.
Other names: c.2254C>T, p.His752Tyr (NM_001171184.2); short protein forms H752Y, H830Y.
Identifiers: ClinVar variation 2846916 (VCV002846916.3), dbSNP rs1181276335, ClinGen allele CA413909778.
Genomic context (GRCh38, chrX:101,258,406, plus strand): 5'-CATGAGGAGGCAGCTGAGGCACCCAGTCTGGCTGACGGCTCCACTGAGGCAGCAACAGAC[C>T]ACCGCAATGAGGAGCTTCTGGCCGAGGCCCGTATCCTTCGGCAACATAAGAGCCGCCTGG-3'
Protein context (NP_001930.2, residues 820-840): ADGSTEAATD[His830Tyr]RNEELLAEAR